The following is an entry in ClinVar:

NC_000022.11:g.40346495C>A

Gene: ADSL (adenylosuccinate lyase; plus strand). Cytogenetic location: 22q13.1.
Variant type: single nucleotide variant.
Genome position: GRCh38 VCF-style: chr22-40346495-C-A. GRCh37 (hg19) VCF-style: chr22-40742499-C-A.
Identifiers: ClinVar variation 901048 (VCV000901048.8), dbSNP rs576843830, ClinGen allele CA324446994.

ClinVar aggregate classification (germline): Uncertain significance. Review status: criteria provided, multiple submitters, no conflicts (2 of 4 stars). 2 submissions from 2 submitters: Uncertain significance (2). Last evaluated 2022-09-27.

Conditions:
Adenylosuccinate lyase deficiency (ADSLD). Also called: ADSL DEFICIENCY. Identifiers: Orphanet 46, MedGen C0268126, MONDO:0007068, OMIM 103050.

Allele frequency attached by ClinVar (database versions not stated): gnomAD 0.00013 and 0.00001; 1000 Genomes Project 30x 0.00125; 1000 Genomes Project 0.00140; TOPMed 0.00002.

Submissions (2):

Labcorp Genetics (formerly Invitae), Labcorp
Classification: Uncertain significance for Adenylosuccinate lyase deficiency. Last evaluated: 2022-09-27. Review status: criteria provided, single submitter. Criteria: Invitae Variant Classification Sherloc (09022015). Collection method: clinical testing. Allele origin: germline.
Comment: This variant occurs in a non-coding region of the ADSL gene. It does not change the encoded amino acid sequence of the ADSL protein. This variant is not present in population databases (gnomAD no frequency). This variant has not been reported in the literature in individuals affected with ADSL-related conditions. ClinVar contains an entry for this variant (Variation ID: 901048). Experimental studies and prediction algorithms are not available or were not evaluated, and the functional significance of this variant is currently unknown. In summary, the available evidence is currently insufficient to determine the role of this variant in disease. Therefore, it has been classified as a Variant of Uncertain Significance.

Illumina Laboratory Services, Illumina
Classification: Uncertain significance for Adenylosuccinate lyase deficiency. Last evaluated: 2018-01-13. Review status: criteria provided, single submitter. Criteria: ICSL Variant Classification Criteria 13 December 2019. Collection method: clinical testing. Allele origin: germline.